The following is an entry in ClinVar:

NM_006015.6(ARID1A):c.5318T>C (p.Leu1773Pro)

Gene: ARID1A (AT-rich interaction domain 1A; plus strand). Cytogenetic location: 1p36.11.
Variant type: single nucleotide variant.
Coding change: c.5318T>C on transcript NM_006015.6 (MANE Select); coding-DNA position 5318, T replaced by C.
Protein change: p.Leu1773Pro; replaces leucine 1773 with proline.
Molecular consequence: missense variant.
Genome position (GRCh38, 1-based): chr1:26,779,216, T>C. VCF-style: chr1-26779216-T-C. GRCh37 (hg19) VCF-style: chr1-27105707-T-C.
Other names: c.4667T>C, p.Leu1556Pro (NM_139135.4); short protein forms L1773P, L1556P.
Identifiers: ClinVar variation 133555 (VCV000133555.1), dbSNP rs587778054, ClinGen allele CA156936.

ClinVar aggregate classification (germline): not provided (0 of 4 stars; one submission).

Allele frequency attached by ClinVar (database versions not stated): gnomAD exomes below 0.00001.
gnomAD v4.1: 2 of 1,613,646 alleles (0.00012%); highest among the groups gnomAD compares: Admixed American, 0.0033%; no homozygotes.

Submission:

ITMI
No classification provided. Condition: AllHighlyPenetrant. Last evaluated: 2013-09-19. Review status: no classification provided. Collection method: reference population. Allele origin: germline.
Comment: Please see associated publication for description of ethnicities

Literature cited by the submitters: PubMed 24728327.